The following is an entry in ClinVar:

NM_001852.4(COL9A2):c.730G>A (p.Gly244Arg)

Gene: COL9A2 (collagen type IX alpha 2 chain; minus strand). Cytogenetic location: 1p34.2.
Variant type: single nucleotide variant.
Coding change: c.730G>A on transcript NM_001852.4 (MANE Select); coding-DNA position 730, G replaced by A.
Protein change: p.Gly244Arg; replaces glycine 244 with arginine.
Molecular consequence: missense variant.
Genome position (GRCh38, 1-based): chr1:40,310,272, C>T on the plus strand (G>A on the coding strand, the complement: COL9A2 is on the minus strand). VCF-style: chr1-40310272-C-T. GRCh37 (hg19) VCF-style: chr1-40775944-C-T.
Other names: short protein forms G244R.
Identifiers: ClinVar variation 2971399 (VCV002971399.3), dbSNP rs1469708011, ClinGen allele CA339854123.

ClinVar aggregate classification (germline): Uncertain significance (1 of 4 stars; one submission).

Allele frequency attached by ClinVar (database versions not stated): TOPMed below 0.00001; gnomAD 0.00001.

Submission:

Labcorp Genetics (formerly Invitae), Labcorp
Classification: Uncertain significance. Last evaluated: 2023-12-09. Review status: criteria provided, single submitter. Criteria: Invitae Variant Classification Sherloc (09022015). Collection method: clinical testing. Allele origin: germline.
Comment: This sequence change replaces glycine, which is neutral and non-polar, with arginine, which is basic and polar, at codon 244 of the COL9A2 protein (p.Gly244Arg). This variant is not present in population databases (gnomAD no frequency). This variant has not been reported in the literature in individuals affected with COL9A2-related conditions. Advanced modeling of protein sequence and biophysical properties (such as structural, functional, and spatial information, amino acid conservation, physicochemical variation, residue mobility, and thermodynamic stability) performed at Invitae indicates that this missense variant is expected to disrupt COL9A2 protein function with a positive predictive value of 95%. In summary, the available evidence is currently insufficient to determine the role of this variant in disease. Therefore, it has been classified as a Variant of Uncertain Significance.